The following continues an entry in ClinVar:

NM_019597.5(HNRNPH2):c.616C>T (p.Arg206Trp)

ClinVar aggregate classification (germline): Pathogenic/Likely pathogenic. Pathogenic (26); Likely pathogenic (1).

Submissions 28 to 34 of 34:

OMIM
Classification: Pathogenic for INTELLECTUAL DEVELOPMENTAL DISORDER, X-LINKED, SYNDROMIC, BAIN TYPE. Last evaluated: 2022-12-20. Review status: no assertion criteria provided. Collection method: literature only. Allele origin: germline. Not counted in ClinVar's aggregate classification.

Molecular Genetics laboratory, Necker Hospital
Classification: Pathogenic. Last evaluated: 2020-03-24. Review status: no assertion criteria provided. Collection method: clinical testing. Allele origin: de novo. Affected: yes. Not counted in ClinVar's aggregate classification.

Centre de Biologie Pathologie Génétique, Centre Hospitalier Universitaire de Lille
Classification: Pathogenic for Intellectual developmental disorder, X-linked, syndromic, Bain type. Last evaluated: 2020-01-01. Review status: no assertion criteria provided. Collection method: clinical testing. Allele origin: germline. Affected: yes. Not counted in ClinVar's aggregate classification.

Diagnostic Laboratory, Department of Genetics, University Medical Center Groningen
Classification: Pathogenic. Review status: no assertion criteria provided. Collection method: clinical testing. Allele origin: germline. Affected: yes. Study: VKGL Data-share Consensus. Not counted in ClinVar's aggregate classification.

Genome Diagnostics Laboratory, Amsterdam University Medical Center
Classification: Pathogenic. Review status: no assertion criteria provided. Collection method: clinical testing. Allele origin: germline. Affected: yes. Study: VKGL Data-share Consensus. Not counted in ClinVar's aggregate classification.

Genomics England Pilot Project, Genomics England
Classification: Likely pathogenic for Intellectual developmental disorder, X-linked, syndromic, Bain type. Review status: no assertion criteria provided. Criteria: ACGS Guidelines, 2016. Collection method: clinical testing. Allele origin: germline. Affected: yes. Not counted in ClinVar's aggregate classification.

Laboratory of Diagnostic Genome Analysis, Leiden University Medical Center (LUMC)
Classification: Pathogenic. Review status: no assertion criteria provided. Collection method: clinical testing. Allele origin: germline. Affected: yes. Study: VKGL Data-share Consensus. Not counted in ClinVar's aggregate classification.

Literature cited by the submitters: PubMed 27545675 (cited by 10 submitters); PubMed 31236915 (cited by 6 submitters); PubMed 31670473 (cited by 4 submitters); PubMed 36066546 (cited by Variantyx, Inc.); PubMed 37853563 (cited by Variantyx, Inc.); PubMed 30887513 (cited by 5 submitters); PubMed 29938792 (cited by Ambry Genetics); PubMed 31943778 (cited by Ambry Genetics and Johns Hopkins Genomics, Johns Hopkins University); PubMed 33728377 (cited by 3 submitters); PubMed 34907471 (cited by Illumina Laboratory Services, Illumina); PubMed 33504798 (cited by Illumina Laboratory Services, Illumina and Women's Health and Genetics/Laboratory Corporation of America, LabCorp); PubMed 34008892 (cited by Illumina Laboratory Services, Illumina and Laboratory of Medical Genetics, National & Kapodistrian University of Athens); PubMed 20308327 (cited by Laboratory for Molecular Medicine, Mass General Brigham Personalized Medicine).